The following is an entry in ClinVar:

ClinVar aggregate classification (germline): Likely pathogenic (1 of 4 stars; one submission).

Conditions:
Clubfoot. Also called: Club foot; CLUBFOOT, CONGENITAL, WITH OR WITHOUT DEFICIENCY OF LONG BONES AND/OR MIRROR-IMAGE POLYDACTYLY; Talipes equinovarus; Clubfeet; congenital talipes equinovarus. Identifiers: Orphanet 199315, MedGen C0009081, MONDO:0007342, OMIM 119800, HP:0001762.

Submission:

Institute of Human Genetics, University of Leipzig Medical Center
Classification: Likely pathogenic for Clubfoot. Last evaluated: 2021-10-13. Review status: criteria provided, single submitter. Criteria: ACMG Guidelines, 2015. Collection method: clinical testing. Allele origin: unknown. Affected: yes.
Comment: _x000D_ Criteria applied: PVS1, PM2_SUP

NM_002653.5(PITX1):c.87del (p.Ala30fs)

Genes: PITX1 (paired like homeodomain 1; minus strand), PITX1-AS1 (PITX1 antisense RNA 1; plus strand). Cytogenetic location: 5q31.1.
Variant type: Deletion.
Coding change: c.87del on transcript NM_002653.5 (MANE Select); coding-DNA position 87, one base deleted (C; older notation c.87delC).
Protein change: p.Ala30fs; shifts the reading frame from alanine 30.
Molecular consequence: frameshift variant.
Genome position (GRCh38, 1-based): chr5:135,033,795, G deleted on the plus strand (C on the coding strand, the reverse complement: PITX1 is on the minus strand); the first of 3 consecutive G bases (chr5:135,033,795-135,033,797); deleting any one gives the same sequence. VCF-style (leftmost placement, unchanged base first): chr5-135033794-CG-C. GRCh37 (hg19) VCF-style: chr5-134369484-CG-C.
Other names: short protein forms A30fs.
Identifiers: ClinVar variation 1325843 (VCV001325843.1), dbSNP rs2149562896, ClinGen allele CA2573052431.